The following is an entry in ClinVar:

ClinVar aggregate classification (germline): Uncertain significance. Review status: criteria provided, multiple submitters, no conflicts (2 of 4 stars). 2 submissions from 2 submitters: Uncertain significance (2). Last evaluated 2024-12-12.

Conditions:
Combined oxidative phosphorylation defect type 17. Also called: Combined oxidative phosphorylation deficiency 17. Identifiers: Orphanet 369913, MedGen C3809526, MONDO:0014190, OMIM 615440.
Inborn genetic diseases. Identifiers: MedGen C0950123, MeSH D030342.

Allele frequency attached by ClinVar (database versions not stated): gnomAD exomes below 0.00001 and 0.00001; ExAC 0.00002; gnomAD 0.00002 and 0.00003; TOPMed 0.00003.
gnomAD v4.1: 12 of 1,614,050 alleles (0.00074%); highest among the groups gnomAD compares: Non-Finnish European, 0.00085%; no homozygotes.

Submissions (2):

Ambry Genetics
Classification: Uncertain significance for Inborn genetic diseases. Last evaluated: 2024-12-12. Review status: criteria provided, single submitter. Criteria: Ambry Variant Classification Scheme 2023. Collection method: clinical testing. Allele origin: germline.

Labcorp Genetics (formerly Invitae), Labcorp
Classification: Uncertain significance for Combined oxidative phosphorylation defect type 17. Last evaluated: 2022-04-25. Review status: criteria provided, single submitter. Criteria: Invitae Variant Classification Sherloc (09022015). Collection method: clinical testing. Allele origin: germline.
Comment: This sequence change replaces glutamine, which is neutral and polar, with arginine, which is basic and polar, at codon 189 of the ELAC2 protein (p.Gln189Arg). This variant is present in population databases (rs779337966, gnomAD 0.003%). This variant has not been reported in the literature in individuals affected with ELAC2-related conditions. Algorithms developed to predict the effect of missense changes on protein structure and function (SIFT, PolyPhen-2, Align-GVGD) all suggest that this variant is likely to be tolerated. In summary, the available evidence is currently insufficient to determine the role of this variant in disease. Therefore, it has been classified as a Variant of Uncertain Significance.

NM_018127.7(ELAC2):c.566A>G (p.Gln189Arg)

Gene: ELAC2 (elaC ribonuclease Z 2; minus strand). Cytogenetic location: 17p12.
Variant type: single nucleotide variant.
Coding change: c.566A>G on transcript NM_018127.7 (MANE Select); coding-DNA position 566, A replaced by G.
Protein change: p.Gln189Arg; replaces glutamine 189 with arginine.
Molecular consequence: missense variant. On other transcripts: intron variant (1).
Genome position (GRCh38, 1-based): chr17:13,011,776, T>C on the plus strand (A>G on the coding strand, the complement: ELAC2 is on the minus strand). VCF-style: chr17-13011776-T-C. GRCh37 (hg19) VCF-style: chr17-12915093-T-C.
Other names: c.566A>G, p.Gln189Arg (NM_173717.2); c.560-1105A>G (NM_001165962.2); c.566A>G (NM_018127.6); short protein forms Q189R.
Identifiers: ClinVar variation 1524517 (VCV001524517.6), dbSNP rs779337966, ClinGen allele CA8401582.